The following is an entry in ClinVar:

NM_030665.4(RAI1):c.1915C>T (p.Pro639Ser)

Gene: RAI1 (retinoic acid induced 1; plus strand). Cytogenetic location: 17p11.2.
Variant type: single nucleotide variant.
Coding change: c.1915C>T on transcript NM_030665.4 (MANE Select); coding-DNA position 1915, C replaced by T.
Protein change: p.Pro639Ser; replaces proline 639 with serine.
Molecular consequence: missense variant.
Genome position (GRCh38, 1-based): chr17:17,794,863, C>T. VCF-style: chr17-17794863-C-T. GRCh37 (hg19) VCF-style: chr17-17698177-C-T.
Other names: short protein forms P639S.
Identifiers: ClinVar variation 586394 (VCV000586394.12), dbSNP rs1030615093, ClinGen allele CA288367995.
Genomic context (GRCh38, chr17:17,794,863, plus strand): 5'-GGTGAGAAGGCCGACAAAGCTTGGGCTGAAGCACCCAGCCTGGTCAAGGACAGCAGCAAG[C>T]CACCCTTCTCGCTGGAGAACCACAGCGCCTGCCTGGACTCTGTGGCCAAGAGTGCGTGGC-3'
Protein context (NP_109590.3, residues 629-649): APSLVKDSSK[Pro639Ser]PFSLENHSAC

ClinVar aggregate classification (germline): Conflicting classifications of pathogenicity. Review status: criteria provided, conflicting classifications (1 of 4 stars). 4 submissions from 4 submitters: Uncertain significance (3); Benign (1). Last evaluated 2024-05-15.

Conditions:
Inborn genetic diseases. Identifiers: MedGen C0950123, MeSH D030342.

Allele frequency attached by ClinVar (database versions not stated): gnomAD exomes 0.00001.

Submissions (4):

Labcorp Genetics (formerly Invitae), Labcorp
Classification: Benign. Last evaluated: 2024-05-15. Review status: criteria provided, single submitter. Criteria: Invitae Variant Classification Sherloc (09022015). Collection method: clinical testing. Allele origin: germline.

Women's Health and Genetics/Laboratory Corporation of America, LabCorp
Classification: Uncertain significance. Last evaluated: 2024-02-09. Review status: criteria provided, single submitter. Criteria: LabCorp Variant Classification Summary - May 2015. Collection method: clinical testing. Allele origin: germline.
Comment: Variant summary: RAI1 c.1915C>T (p.Pro639Ser) results in a non-conservative amino acid change in the encoded protein sequence. Three of five in-silico tools predict a benign effect of the variant on protein function. The frequency data for this variant in gnomAD is considered unreliable, as metrics indicate poor data quality at this position. To our knowledge, no occurrence of c.1915C>T in individuals affected with Smith-Magenis Syndrome and no experimental evidence demonstrating its impact on protein function have been reported. ClinVar contains an entry for this variant (Variation ID: 586394). Based on the evidence outlined above, the variant was classified as uncertain significance.

Ambry Genetics
Classification: Uncertain significance for Inborn genetic diseases. Last evaluated: 2023-03-28. Review status: criteria provided, single submitter. Criteria: Ambry Variant Classification Scheme 2023. Collection method: clinical testing. Allele origin: germline.

Athena Diagnostics
Classification: Uncertain significance. Last evaluated: 2017-09-30. Review status: criteria provided, single submitter. Criteria: Athena Diagnostics Criteria. Collection method: clinical testing. Allele origin: germline.